The following is an entry in ClinVar:

ClinVar aggregate classification (germline): Uncertain significance. Review status: criteria provided, multiple submitters, no conflicts (2 of 4 stars). 3 submissions from 3 submitters: Uncertain significance (3). Last evaluated 2025-12-15.

Conditions:
Inborn genetic diseases. Identifiers: MedGen C0950123, MeSH D030342.
Anophthalmia-microphthalmia syndrome. Also called: Anophthalmia/Microphthalmia; Anophthalmia - microphthalmia. Identifiers: Orphanet 98555, MedGen C5680330, MONDO:0020147.

Allele frequency attached by ClinVar (database versions not stated): gnomAD below 0.00001 and 0.00001; ExAC 0.00002; gnomAD exomes 0.00002.
gnomAD v4.1: 10 of 1,614,058 alleles (0.00062%); highest among the groups gnomAD compares: South Asian, 0.011%; no homozygotes.

Submissions (3):

Ambry Genetics
Classification: Uncertain significance for Inborn genetic diseases. Last evaluated: 2025-12-15. Review status: criteria provided, single submitter. Criteria: Ambry Variant Classification Scheme 2023. Collection method: clinical testing. Allele origin: germline.

Blueprint Genetics
Classification: Uncertain significance. Last evaluated: 2020-07-08. Review status: criteria provided, single submitter. Criteria: ACMG Guidelines, 2015. Collection method: clinical testing. Allele origin: germline.

Labcorp Genetics (formerly Invitae), Labcorp
Classification: Uncertain significance for Anophthalmia-microphthalmia syndrome. Last evaluated: 2019-12-24. Review status: criteria provided, single submitter. Criteria: Invitae Variant Classification Sherloc (09022015). Collection method: clinical testing. Allele origin: germline.
Comment: This sequence change replaces serine with glycine at codon 186 of the OTX2 protein (p.Ser186Gly). The serine residue is highly conserved and there is a small physicochemical difference between serine and glycine. This variant is present in population databases (rs765382721, ExAC 0.01%). This variant has not been reported in the literature in individuals with OTX2-related conditions. Algorithms developed to predict the effect of missense changes on protein structure and function are either unavailable or do not agree on the potential impact of this missense change (SIFT: "Deleterious"; PolyPhen-2: "Benign"; Align-GVGD: "Class C55"). In summary, the available evidence is currently insufficient to determine the role of this variant in disease. Therefore, it has been classified as a Variant of Uncertain Significance.

NM_021728.4(OTX2):c.580A>G (p.Ser194Gly)

Gene: OTX2 (orthodenticle homeobox 2; minus strand). Cytogenetic location: 14q22.3.
Variant type: single nucleotide variant.
Coding change: c.580A>G on transcript NM_021728.4 (MANE Select); coding-DNA position 580, A replaced by G.
Protein change: p.Ser194Gly; replaces serine 194 with glycine.
Molecular consequence: missense variant. On other transcripts: non-coding transcript variant (2).
Genome position (GRCh38, 1-based): chr14:56,802,049, T>C on the plus strand (A>G on the coding strand, the complement: OTX2 is on the minus strand). VCF-style: chr14-56802049-T-C. GRCh37 (hg19) VCF-style: chr14-57268767-T-C.
Other names: c.556A>G, p.Ser186Gly (NM_001270523.2, NM_001270524.2, NM_172337.3); c.580A>G, p.Ser194Gly (NM_001270525.2); c.556A>G (NM_172337.1); short protein forms S186G, S194G.
Identifiers: ClinVar variation 858623 (VCV000858623.13), dbSNP rs765382721, ClinGen allele CA7200457.
Genomic context (GRCh38, chr14:56,802,049, plus strand): 5'-TCAAATATGATCCACAGTCCATGCCCCCAAAGTAGGAAGTTGAGCCAGCATATCCTTGAC[T>C]ATAACCTGAAGCCTGAGTATAGGTCATGGGATAGGACCTCTGCATGCAGGAAGAGGAGGT-3'
Protein context (NP_068374.1, residues 184-204): PMTYTQASGY[Ser194Gly]QGYAGSTSYF